The following is an entry in ClinVar:

ClinVar aggregate classification (germline): Uncertain significance. Review status: criteria provided, multiple submitters, no conflicts (2 of 4 stars). 3 submissions from 3 submitters: Uncertain significance (3). Last evaluated 2025-12-07.

Conditions:
Hereditary cancer-predisposing syndrome. Also called: Neoplastic Syndromes, Hereditary; Tumor predisposition; Hereditary neoplastic syndrome; Hereditary Cancer Syndrome. Identifiers: Orphanet 140162, MedGen C0027672, MeSH D009386, MONDO:0015356.

gnomAD v4.1: 1 of 1,613,992 alleles (0.000062%); no homozygotes.

Submissions (3):

Ambry Genetics
Classification: Uncertain significance for Hereditary cancer-predisposing syndrome. Last evaluated: 2025-12-07. Review status: criteria provided, single submitter. Criteria: Ambry Variant Classification Scheme 2023. Collection method: clinical testing. Allele origin: germline.
Comment: The p.G609R variant (also known as c.1825G>C), located in coding exon 13 of the MSH3 gene, results from a G to C substitution at nucleotide position 1825. The glycine at codon 609 is replaced by arginine, an amino acid with dissimilar properties. This amino acid position is conserved. In addition, this alteration is predicted to be tolerated by in silico analysis. Based on the available evidence, the clinical significance of this variant remains unclear.

Blueprint Genetics
Classification: Uncertain significance. Last evaluated: 2024-06-11. Review status: criteria provided, single submitter. Criteria: ACMG Guidelines, 2015. Collection method: clinical testing. Allele origin: germline.

Labcorp Genetics (formerly Invitae), Labcorp
Classification: Uncertain significance. Last evaluated: 2024-04-29. Review status: criteria provided, single submitter. Criteria: Invitae Variant Classification Sherloc (09022015). Collection method: clinical testing. Allele origin: germline.
Comment: This sequence change replaces glycine, which is neutral and non-polar, with arginine, which is basic and polar, at codon 609 of the MSH3 protein (p.Gly609Arg). This variant is not present in population databases (gnomAD no frequency). This variant has not been reported in the literature in individuals affected with MSH3-related conditions. An algorithm developed to predict the effect of missense changes on protein structure and function (PolyPhen-2) suggests that this variant is likely to be tolerated. In summary, the available evidence is currently insufficient to determine the role of this variant in disease. Therefore, it has been classified as a Variant of Uncertain Significance.

NM_002439.5(MSH3):c.1825G>C (p.Gly609Arg)

Gene: MSH3 (mutS homolog 3; plus strand). Cytogenetic location: 5q14.1.
Variant type: single nucleotide variant.
Coding change: c.1825G>C on transcript NM_002439.5 (MANE Select); coding-DNA position 1825, G replaced by C.
Protein change: p.Gly609Arg; replaces glycine 609 with arginine.
Molecular consequence: missense variant.
Genome position (GRCh38, 1-based): chr5:80,761,607, G>C. VCF-style: chr5-80761607-G-C. GRCh37 (hg19) VCF-style: chr5-80057426-G-C.
Other names: c.1825G>C (NM_002439.3); short protein forms G609R.
Identifiers: ClinVar variation 2866546 (VCV002866546.5), dbSNP rs770779948, ClinGen allele CA360276592.